The following is an entry in ClinVar:

ClinVar aggregate classification (germline): Uncertain significance (1 of 4 stars; one submission).

Submission:

Labcorp Genetics (formerly Invitae), Labcorp
Classification: Uncertain significance. Last evaluated: 2022-08-02. Review status: criteria provided, single submitter. Criteria: Invitae Variant Classification Sherloc (09022015). Collection method: clinical testing. Allele origin: germline.
Comment: This sequence change replaces glutamic acid, which is acidic and polar, with glutamine, which is neutral and polar, at codon 1737 of the MYO18B protein (p.Glu1737Gln). In summary, the available evidence is currently insufficient to determine the role of this variant in disease. Therefore, it has been classified as a Variant of Uncertain Significance. Algorithms developed to predict the effect of missense changes on protein structure and function are either unavailable or do not agree on the potential impact of this missense change (SIFT: "Not Available"; PolyPhen-2: "Probably Damaging"; Align-GVGD: "Not Available"). This variant has not been reported in the literature in individuals affected with MYO18B-related conditions. This variant is not present in population databases (gnomAD no frequency).

NM_032608.7(MYO18B):c.5209G>C (p.Glu1737Gln)

Gene: MYO18B (myosin XVIIIB; plus strand). Cytogenetic location: 22q12.1.
Variant type: single nucleotide variant.
Coding change: c.5209G>C on transcript NM_032608.7 (MANE Select); coding-DNA position 5209, G replaced by C.
Protein change: p.Glu1737Gln; replaces glutamic acid 1737 with glutamine.
Molecular consequence: missense variant.
Genome position (GRCh38, 1-based): chr22:25,908,382, G>C. VCF-style: chr22-25908382-G-C. GRCh37 (hg19) VCF-style: chr22-26304349-G-C.
Other names: c.5212G>C, p.Glu1738Gln (NM_001318245.2); short protein forms E1737Q, E1738Q.
Identifiers: ClinVar variation 1714843 (VCV001714843.5), dbSNP rs2517891491, ClinGen allele CA411001941.